The following is an entry in ClinVar:

NM_000326.5(RLBP1):c.180G>T (p.Glu60Asp)

Gene: RLBP1 (retinaldehyde binding protein 1; minus strand). Cytogenetic location: 15q26.1.
Variant type: single nucleotide variant.
Coding change: c.180G>T on transcript NM_000326.5 (MANE Select); coding-DNA position 180, G replaced by T.
Protein change: p.Glu60Asp; replaces glutamic acid 60 with aspartic acid.
Molecular consequence: missense variant.
Genome position (GRCh38, 1-based): chr15:89,217,286, C>A on the plus strand (G>T on the coding strand, the complement: RLBP1 is on the minus strand). VCF-style: chr15-89217286-C-A. GRCh37 (hg19) VCF-style: chr15-89760517-C-A.
Other names: short protein forms E60D.
Identifiers: ClinVar variation 856778 (VCV000856778.9), dbSNP rs191170653, ClinGen allele CA7722365.
Genomic context (GRCh38, chr15:89,217,286, plus strand): 5'-CAGCTCCTCCCCCGAGGCCGCCTGCGCCTGCACCATCTCCTGCAGCTCTCGCACTGCCTC[C>A]TCCCGGGTCTCCTCTCTCTCGTTCAGCTCATCCTTGGCCTAGAACAGGGTGGGGTGTGCA-3'
Protein context (NP_000317.1, residues 50-70): DELNEREETR[Glu60Asp]EAVRELQEMV

ClinVar aggregate classification (germline): Likely benign. Review status: criteria provided, multiple submitters, no conflicts (2 of 4 stars). 3 submissions from 3 submitters: Likely benign (3). Last evaluated 2025-12-22.

Conditions:
RLBP1-related disorder. Also called: RLBP1-related disorders; RLBP1-related condition. Identifiers: MedGen CN239413.

Allele frequency attached by ClinVar (database versions not stated): ESP Exome Variant Server 0.00046; 1000 Genomes Project 30x 0.00047; gnomAD 0.00058 and 0.00063; TOPMed 0.00059; 1000 Genomes Project 0.00060.
gnomAD v4.1: 158 of 1,608,476 alleles (0.0098%); highest among the groups gnomAD compares: African/African-American, 0.2%; no homozygotes.

Submissions (3):

Labcorp Genetics (formerly Invitae), Labcorp
Classification: Likely benign. Last evaluated: 2025-12-22. Review status: criteria provided, single submitter. Criteria: Invitae Variant Classification Sherloc (09022015). Collection method: clinical testing. Allele origin: germline.

PreventionGenetics, part of Exact Sciences
Classification: Likely benign for RLBP1-related condition. Last evaluated: 2025-03-18. Review status: criteria provided, single submitter. Criteria: ACMG Guidelines, 2015. Collection method: clinical testing. Allele origin: germline.
Comment: This variant is classified as likely benign based on ACMG/AMP sequence variant interpretation guidelines (Richards et al. 2015 PMID: 25741868, with internal and published modifications).

Blueprint Genetics
Classification: Likely benign. Last evaluated: 2024-07-05. Review status: criteria provided, single submitter. Criteria: ACMG Guidelines, 2015. Collection method: clinical testing. Allele origin: germline.